The following is an entry in ClinVar:

NC_000023.10:g.(?_79955436)_(79955583_?)dup

Gene: BRWD3 (bromodomain and WD repeat domain containing 3; minus strand). Cytogenetic location: Xq21.1.
Variant type: Duplication.
Identifiers: ClinVar variation 1412840 (VCV001412840.4).

ClinVar aggregate classification (germline): Uncertain significance (1 of 4 stars; one submission).

Submission:

Labcorp Genetics (formerly Invitae), Labcorp
Classification: Uncertain significance. Last evaluated: 2021-08-26. Review status: criteria provided, single submitter. Criteria: Invitae Variant Classification Sherloc (09022015). Collection method: clinical testing. Allele origin: germline.
Comment: In summary, the available evidence is currently insufficient to determine the role of this variant in disease. Therefore, it has been classified as a Variant of Uncertain Significance. Experimental studies and prediction algorithms are not available or were not evaluated, and the functional significance of this variant is currently unknown. This variant has not been reported in the literature in individuals affected with BRWD3-related conditions. This variant results in a copy number gain of the genomic region encompassing exon(s) 25 of the BRWD3 gene. While the exact position of this variant cannot be determined from the data, sub-genic copy number gains are generally in tandem (PMID: 25640679). This variant is predicted to be in-frame, and likely preserves the integrity of the reading frame.

Literature cited by the submitters: PubMed 25640679.